The following is an entry in ClinVar:

ClinVar aggregate classification (germline): Uncertain significance (1 of 4 stars; one submission).

Allele frequency attached by ClinVar (database versions not stated): TOPMed 0.00001.

Submission:

Labcorp Genetics (formerly Invitae), Labcorp
Classification: Uncertain significance. Last evaluated: 2022-05-11. Review status: criteria provided, single submitter. Criteria: Invitae Variant Classification Sherloc (09022015). Collection method: clinical testing. Allele origin: germline.
Comment: In summary, the available evidence is currently insufficient to determine the role of this variant in disease. Therefore, it has been classified as a Variant of Uncertain Significance. Advanced modeling of protein sequence and biophysical properties (such as structural, functional, and spatial information, amino acid conservation, physicochemical variation, residue mobility, and thermodynamic stability) performed at Invitae indicates that this missense variant is not expected to disrupt ABCA1 protein function. This variant has not been reported in the literature in individuals affected with ABCA1-related conditions. This variant is not present in population databases (gnomAD no frequency). This sequence change replaces threonine, which is neutral and polar, with serine, which is neutral and polar, at codon 1998 of the ABCA1 protein (p.Thr1998Ser).

NM_005502.4(ABCA1):c.5992A>T (p.Thr1998Ser)

Genes: ABCA1 (ATP binding cassette subfamily A member 1; minus strand), NIPSNAP3B (nipsnap homolog 3B; plus strand). Cytogenetic location: 9q31.1.
Variant type: single nucleotide variant.
Coding change: c.5992A>T on transcript NM_005502.4 (MANE Select); coding-DNA position 5992, A replaced by T.
Protein change: p.Thr1998Ser; replaces threonine 1998 with serine.
Molecular consequence: missense variant.
Genome position (GRCh38, 1-based): chr9:104,788,503, T>A on the plus strand (A>T on the coding strand, the complement: ABCA1 is on the minus strand). VCF-style: chr9-104788503-T-A. GRCh37 (hg19) VCF-style: chr9-107550784-T-A.
Other names: short protein forms T1998S.
Identifiers: ClinVar variation 2150644 (VCV002150644.4), dbSNP rs1447356786, ClinGen allele CA374308119.
Genomic context (GRCh38, chr9:104,788,503, plus strand): 5'-CTGGGACTCCTCTCAAAAGGGCAAAGAACTCCACGTGTTCTCTCCCAGTCAACAGCTCTG[T>A]GATGGCATCAAACTGAGGGCAGTAGCCCATGTTCTGATGTACTTCATGGATGTTTGATAA-3'
Protein context (NP_005493.2, residues 1988-2008): MGYCPQFDAI[Thr1998Ser]ELLTGREHVE